The following is an entry in ClinVar:

NM_000179.3(MSH6):c.2503C>A (p.Gln835Lys)

Gene: MSH6 (mutS homolog 6; plus strand). Cytogenetic location: 2p16.3.
Variant type: single nucleotide variant.
Coding change: c.2503C>A on transcript NM_000179.3 (MANE Select); coding-DNA position 2503, C replaced by A.
Protein change: p.Gln835Lys; replaces glutamine 835 with lysine.
Molecular consequence: missense variant. On other transcripts: non-coding transcript variant (5), intron variant (3).
Genome position (GRCh38, 1-based): chr2:47,800,486, C>A. VCF-style: chr2-47800486-C-A. GRCh37 (hg19) VCF-style: chr2-48027625-C-A.
Other names: c.2599C>A, p.Gln867Lys (NM_001406802.1, NM_001406795.1); c.2425C>A, p.Gln809Lys (NM_001406804.1); c.2206C>A, p.Gln736Lys (NM_001406805.1, NM_001406824.1, NM_001406825.1 and 10 more transcripts); c.1978C>A, p.Gln660Lys (NM_001406806.1, NM_001406807.1, NM_001406799.1); c.2503C>A, p.Gln835Lys (NM_001406808.1, NM_001406809.1, NM_001406796.1 and 2 more transcripts); c.1597C>A, p.Gln533Lys (NM_001406811.1, NM_001406812.1, NM_001406829.1 and 6 more transcripts); c.2509C>A, p.Gln837Lys (NM_001406813.1); c.2335C>A, p.Gln779Lys (NM_001406826.1); and 4 more; short protein forms Q736K, Q779K, Q809K, Q533K, Q660K, Q837K, Q867K, Q705K.
Identifiers: ClinVar variation 4825258 (VCV004825258.1).

ClinVar aggregate classification (germline): Uncertain significance (1 of 4 stars; one submission).

Conditions:
Hereditary cancer-predisposing syndrome. Also called: Neoplastic Syndromes, Hereditary; Tumor predisposition; Hereditary Cancer Syndrome; Hereditary neoplastic syndrome. Identifiers: Orphanet 140162, MedGen C0027672, MeSH D009386, MONDO:0015356.

gnomAD v4.1: 1 of 1,613,006 alleles (0.000062%); highest among the groups gnomAD compares: Non-Finnish European, 0.000085%; no homozygotes.

Submission:

Ambry Genetics
Classification: Uncertain significance for Hereditary cancer-predisposing syndrome. Last evaluated: 2026-01-23. Review status: criteria provided, single submitter. Criteria: Ambry Variant Classification Scheme 2023. Collection method: clinical testing. Allele origin: germline.
Comment: The p.Q835K variant (also known as c.2503C>A), located in coding exon 4 of the MSH6 gene, results from a C to A substitution at nucleotide position 2503. The glutamine at codon 835 is replaced by lysine, an amino acid with similar properties. This amino acid position is well conserved in available vertebrate species. In addition, this alteration is predicted to be tolerated by in silico analysis. Based on the available evidence, the clinical significance of this variant remains unclear.